The following is an entry in ClinVar:

ClinVar aggregate classification (germline): Uncertain significance (1 of 4 stars; one submission).

gnomAD v4.1: 7 of 1,613,684 alleles (0.00043%); highest among the groups gnomAD compares: South Asian, 0.0055%; no homozygotes.

Submission:

Labcorp Genetics (formerly Invitae), Labcorp
Classification: Uncertain significance. Last evaluated: 2026-01-24. Review status: criteria provided, single submitter. Criteria: Invitae Variant Classification Sherloc (09022015). Collection method: clinical testing. Allele origin: germline.
Comment: This sequence change replaces leucine, which is neutral and non-polar, with proline, which is neutral and non-polar, at codon 64 of the MYLK3 protein (p.Leu64Pro). This variant is present in population databases (no rsID available, gnomAD 0.003%). This variant has not been reported in the literature in individuals affected with MYLK3-related conditions. An algorithm developed to predict the effect of missense changes on protein structure and function (PolyPhen-2) suggests that this variant is likely to be disruptive. In summary, the available evidence is currently insufficient to determine the role of this variant in disease. Therefore, it has been classified as a Variant of Uncertain Significance.

NM_182493.3(MYLK3):c.191T>C (p.Leu64Pro)

Gene: MYLK3 (myosin light chain kinase 3; minus strand). Cytogenetic location: 16q11.2.
Variant type: single nucleotide variant.
Coding change: c.191T>C on transcript NM_182493.3 (MANE Select); coding-DNA position 191, T replaced by C.
Protein change: p.Leu64Pro; replaces leucine 64 with proline.
Molecular consequence: missense variant. On other transcripts: intron variant (1).
Genome position (GRCh38, 1-based): chr16:46,748,003, A>G on the plus strand (T>C on the coding strand, the complement: MYLK3 is on the minus strand). VCF-style: chr16-46748003-A-G. GRCh37 (hg19) VCF-style: chr16-46781915-A-G.
Other names: c.-113-7856T>C (NM_001308301.1); short protein forms L64P.
Identifiers: ClinVar variation 4774822 (VCV004774822.1).